The following is an entry in ClinVar:

NM_015047.3(EMC1):c.2480G>T (p.Arg827Leu)

Genes: EMC1 (ER membrane protein complex subunit 1; minus strand), EMC1-AS1 (EMC1 antisense RNA 1; plus strand). Cytogenetic location: 1p36.13.
Variant type: single nucleotide variant.
Coding change: c.2480G>T on transcript NM_015047.3 (MANE Select); coding-DNA position 2480, G replaced by T.
Protein change: p.Arg827Leu; replaces arginine 827 with leucine.
Molecular consequence: missense variant.
Genome position (GRCh38, 1-based): chr1:19,222,731, C>A on the plus strand (G>T on the coding strand, the complement: EMC1 is on the minus strand). VCF-style: chr1-19222731-C-A. GRCh37 (hg19) VCF-style: chr1-19549225-C-A.
Other names: c.2480G>T (NM_015047.1); c.2477G>T, p.Arg826Leu (NM_001271427.2, NM_001271428.2); c.2414G>T, p.Arg805Leu (NM_001271429.2); c.2489G>T, p.Arg830Leu (NM_001375820.1); c.2486G>T, p.Arg829Leu (NM_001375821.1); short protein forms R805L, R830L, R827L, R826L, R829L.
Identifiers: ClinVar variation 1420527 (VCV001420527.7), dbSNP rs145843835, ClinGen allele CA652263.

ClinVar aggregate classification (germline): Uncertain significance. Review status: criteria provided, multiple submitters, no conflicts (2 of 4 stars). 2 submissions from 2 submitters: Uncertain significance (2). Last evaluated 2025-10-20.

Conditions:
Inborn genetic diseases. Identifiers: MedGen C0950123, MeSH D030342.

Allele frequency attached by ClinVar (database versions not stated): ESP Exome Variant Server 0.00008.
gnomAD v4.1: 15 of 1,613,920 alleles (0.00093%); highest among the groups gnomAD compares: Non-Finnish European, 0.0013%; no homozygotes.

Submissions (2):

Labcorp Genetics (formerly Invitae), Labcorp
Classification: Uncertain significance. Last evaluated: 2025-10-20. Review status: criteria provided, single submitter. Criteria: Invitae Variant Classification Sherloc (09022015). Collection method: clinical testing. Allele origin: germline.
Comment: This sequence change replaces arginine, which is basic and polar, with leucine, which is neutral and non-polar, at codon 827 of the EMC1 protein (p.Arg827Leu). This variant is present in population databases (rs145843835, gnomAD 0.002%). This variant has not been reported in the literature in individuals affected with EMC1-related conditions. ClinVar contains an entry for this variant (Variation ID: 1420527). Invitae Evidence Modeling of protein sequence and biophysical properties (such as structural, functional, and spatial information, amino acid conservation, physicochemical variation, residue mobility, and thermodynamic stability) has been performed for this missense variant. However, the output from this modeling did not meet the statistical confidence thresholds required to predict the impact of this variant on EMC1 protein function. In summary, the available evidence is currently insufficient to determine the role of this variant in disease. Therefore, it has been classified as a Variant of Uncertain Significance.

Ambry Genetics
Classification: Uncertain significance for Inborn genetic diseases. Last evaluated: 2025-05-07. Review status: criteria provided, single submitter. Criteria: Ambry Variant Classification Scheme 2023. Collection method: clinical testing. Allele origin: germline.